The following is an entry in ClinVar:

NM_001146.5(ANGPT1):c.349C>A (p.Gln117Lys)

Gene: ANGPT1 (angiopoietin 1; minus strand). Cytogenetic location: 8q23.1.
Variant type: single nucleotide variant.
Coding change: c.349C>A on transcript NM_001146.5 (MANE Select); coding-DNA position 349, C replaced by A.
Protein change: p.Gln117Lys; replaces glutamine 117 with lysine.
Molecular consequence: missense variant.
Genome position (GRCh38, 1-based): chr8:107,347,046, G>T on the plus strand (C>A on the coding strand, the complement: ANGPT1 is on the minus strand). VCF-style: chr8-107347046-G-T. GRCh37 (hg19) VCF-style: chr8-108359274-G-T.
Other names: c.349C>A, p.Gln117Lys (NM_001199859.3); short protein forms Q117K.
Identifiers: ClinVar variation 3620186 (VCV003620186.2).
Genomic context (GRCh38, chr8:107,347,046, plus strand): 5'-GAGAGAGGAGGCTGGTTCCTATCTCCAGCATGGTAGCCGTGTGGTTCTGAACTGCATTCT[G>T]CTGTATCTGGGCCATCTCCGACTTCATGTTTTCCACAATGTAATTCTCAAGCTGCAAGAG-3'
Protein context (NP_001137.2, residues 107-127): NMKSEMAQIQ[Gln117Lys]NAVQNHTATM

ClinVar aggregate classification (germline): Uncertain significance (1 of 4 stars; one submission).

gnomAD v4.1: 13 of 1,613,726 alleles (0.00081%); highest among the groups gnomAD compares: Non-Finnish European, 0.001%; no homozygotes.

Submission:

Labcorp Genetics (formerly Invitae), Labcorp
Classification: Uncertain significance. Last evaluated: 2025-07-03. Review status: criteria provided, single submitter. Criteria: Invitae Variant Classification Sherloc (09022015). Collection method: clinical testing. Allele origin: germline.
Comment: This sequence change replaces glutamine, which is neutral and polar, with lysine, which is basic and polar, at codon 117 of the ANGPT1 protein (p.Gln117Lys). This variant is present in population databases (no rsID available, gnomAD 0.0009%). This variant has not been reported in the literature in individuals affected with ANGPT1-related conditions. ClinVar contains an entry for this variant (Variation ID: 3620186). An algorithm developed to predict the effect of missense changes on protein structure and function (PolyPhen-2) suggests that this variant is likely to be disruptive. In summary, the available evidence is currently insufficient to determine the role of this variant in disease. Therefore, it has been classified as a Variant of Uncertain Significance.